The following is an entry in ClinVar:

ClinVar aggregate classification (germline): Conflicting classifications of pathogenicity. Review status: criteria provided, conflicting classifications (1 of 4 stars). 3 submissions from 3 submitters: Uncertain significance (2); Likely benign (1). Last evaluated 2025-02-24.

Conditions:
Inborn genetic diseases. Identifiers: MedGen C0950123, MeSH D030342.

Allele frequency attached by ClinVar (database versions not stated): gnomAD 0.00001; ExAC 0.00002; ESP Exome Variant Server 0.00008.
gnomAD v4.1: 19 of 1,612,980 alleles (0.0012%); highest among the groups gnomAD compares: African/African-American, 0.0053%; no homozygotes.

Submissions (3):

Labcorp Genetics (formerly Invitae), Labcorp
Classification: Likely benign. Last evaluated: 2025-02-24. Review status: criteria provided, single submitter. Criteria: Invitae Variant Classification Sherloc (09022015). Collection method: clinical testing. Allele origin: germline.

GeneDx
Classification: Uncertain significance. Last evaluated: 2023-06-08. Review status: criteria provided, single submitter. Criteria: GeneDx Variant Classification Process June 2021. Collection method: clinical testing. Allele origin: germline. Affected: yes.
Comment: Observed in patient with schizophrenia in published literature (Merner et al., 2016); however, no further clinical information was provided; In silico analysis supports that this missense variant has a deleterious effect on protein structure/function; This variant is associated with the following publications: (PMID: 26789910)

Ambry Genetics
Classification: Uncertain significance for Inborn genetic diseases. Last evaluated: 2018-03-12. Review status: criteria provided, single submitter. Criteria: Ambry Variant Classification Scheme 2023. Collection method: clinical testing. Allele origin: germline.
Comment: The p.R2158C variant (also known as c.6472C>T), located in coding exon 33 of the CHD8 gene, results from a C to T substitution at nucleotide position 6472. The arginine at codon 2158 is replaced by cysteine, an amino acid with highly dissimilar properties. In one study, this alteration was referred to as p.R1879C (c.5635C>T) and was found to be maternally inherited in an individual with schizophrenia (Merner N et al. Am. J. Med. Genet. A, 2016 May;170A:1225-35). This amino acid position is highly conserved in available vertebrate species. In addition, this alteration is predicted to be deleterious by in silico analysis. Since supporting evidence is limited at this time, the clinical significance of this alteration remains unclear.

Literature cited by the submitters: PubMed 26789910 (cited by Ambry Genetics).

NM_001170629.2(CHD8):c.6472C>T (p.Arg2158Cys)

Gene: CHD8 (chromodomain helicase DNA binding protein 8; minus strand). Cytogenetic location: 14q11.2.
Variant type: single nucleotide variant.
Coding change: c.6472C>T on transcript NM_001170629.2 (MANE Select); coding-DNA position 6472, C replaced by T.
Protein change: p.Arg2158Cys; replaces arginine 2158 with cysteine.
Molecular consequence: missense variant.
Genome position (GRCh38, 1-based): chr14:21,392,806, G>A on the plus strand (C>T on the coding strand, the complement: CHD8 is on the minus strand). VCF-style: chr14-21392806-G-A. GRCh37 (hg19) VCF-style: chr14-21860965-G-A.
Other names: c.5635C>T, p.Arg1879Cys (NM_020920.4); short protein forms R1879C, R2158C.
Identifiers: ClinVar variation 1753721 (VCV001753721.8), dbSNP rs371915075, ClinGen allele CA7090768.